The following is an entry in ClinVar:

ClinVar aggregate classification (germline): Uncertain significance (1 of 4 stars; one submission).

Conditions:
Skraban-Deardorff syndrome. Also called: INTELLECTUAL DISABILITY WITH SEIZURES, ABNORMAL GAIT, AND DISTINCTIVE FACIAL FEATURES; WDR26-Related Intellectual Disability. Identifiers: Orphanet 513456, MedGen C4539927, MONDO:0054636, OMIM 617616.

Submission:

Baylor Genetics
Classification: Uncertain significance for Skraban-Deardorff syndrome. Last evaluated: 2019-12-19. Review status: criteria provided, single submitter. Criteria: ACMG Guidelines, 2015. Collection method: clinical testing. Allele origin: unknown. Affected: yes.
Comment: This variant was determined to be of uncertain significance according to ACMG Guidelines, 2015 [PMID:25741868].

NM_001379403.1(WDR26):c.1036A>C (p.Asn346His)

Gene: WDR26 (WD repeat domain 26; minus strand). Cytogenetic location: 1q42.12.
Variant type: single nucleotide variant.
Coding change: c.1036A>C on transcript NM_001379403.1 (MANE Select); coding-DNA position 1036, A replaced by C.
Protein change: p.Asn346His; replaces asparagine 346 with histidine.
Molecular consequence: missense variant.
Genome position (GRCh38, 1-based): chr1:224,424,546, T>G on the plus strand (A>C on the coding strand, the complement: WDR26 is on the minus strand). VCF-style: chr1-224424546-T-G. GRCh37 (hg19) VCF-style: chr1-224612248-T-G.
Other names: c.688A>C, p.Asn230His (NM_001115113.3); c.736A>C, p.Asn246His (NM_025160.7); short protein forms N246H, N346H, N230H.
Identifiers: ClinVar variation 1030910 (VCV001030910.1), dbSNP rs1674157739, ClinGen allele CA344751010.